The following is an entry in ClinVar:

NM_005051.3(QARS1):c.1787C>T (p.Pro596Leu)

Gene: QARS1 (glutaminyl-tRNA synthetase 1; minus strand). Cytogenetic location: 3p21.31.
Variant type: single nucleotide variant.
Coding change: c.1787C>T on transcript NM_005051.3 (MANE Select); coding-DNA position 1787, C replaced by T.
Protein change: p.Pro596Leu; replaces proline 596 with leucine.
Molecular consequence: missense variant. On other transcripts: non-coding transcript variant (1).
Genome position (GRCh38, 1-based): chr3:49,098,961, G>A on the plus strand (C>T on the coding strand, the complement: QARS1 is on the minus strand). VCF-style: chr3-49098961-G-A. GRCh37 (hg19) VCF-style: chr3-49136394-G-A.
Other names: c.1754C>T, p.Pro585Leu (NM_001272073.2); short protein forms P596L, P585L.
Identifiers: ClinVar variation 1474282 (VCV001474282.8), dbSNP rs148882908, ClinGen allele CA2391636.

ClinVar aggregate classification (germline): Uncertain significance (1 of 4 stars; one submission).

Conditions:
Diffuse cerebral and cerebellar atrophy - intractable seizures - progressive microcephaly syndrome. Also called: Microcephaly, progressive, with seizures and cerebral and cerebellar atrophy. Identifiers: Orphanet 404437, MedGen C4014239, MONDO:0014335, OMIM 615760.

Allele frequency attached by ClinVar (database versions not stated): gnomAD exomes below 0.00001 and 0.00001; gnomAD 0.00001; ExAC 0.00002; TOPMed 0.00001; ESP Exome Variant Server 0.00008.
gnomAD v4.1: 7 of 1,613,950 alleles (0.00043%); highest among the groups gnomAD compares: Non-Finnish European, 0.00059%; no homozygotes.

Submission:

Labcorp Genetics (formerly Invitae), Labcorp
Classification: Uncertain significance for Diffuse cerebral and cerebellar atrophy - intractable seizures - progressive microcephaly syndrome. Last evaluated: 2021-01-04. Review status: criteria provided, single submitter. Criteria: Invitae Variant Classification Sherloc (09022015). Collection method: clinical testing. Allele origin: germline.
Comment: This sequence change replaces proline with leucine at codon 596 of the QARS protein (p.Pro596Leu). The proline residue is highly conserved and there is a moderate physicochemical difference between proline and leucine. This variant is present in population databases (rs148882908, ExAC 0.004%). In summary, the available evidence is currently insufficient to determine the role of this variant in disease. Therefore, it has been classified as a Variant of Uncertain Significance. Algorithms developed to predict the effect of missense changes on protein structure and function (SIFT, PolyPhen-2, Align-GVGD) all suggest that this variant is likely to be disruptive, but these predictions have not been confirmed by published functional studies and their clinical significance is uncertain. This variant has not been reported in the literature in individuals with QARS-related conditions.